The following is an entry in ClinVar:

NM_006493.4(CLN5):c.752A>G (p.Asn251Ser)

Gene: CLN5 (CLN5 intracellular trafficking protein; plus strand). Cytogenetic location: 13q22.3.
Variant type: single nucleotide variant.
Coding change: c.752A>G on transcript NM_006493.4 (MANE Select); coding-DNA position 752, A replaced by G.
Protein change: p.Asn251Ser; replaces asparagine 251 with serine.
Molecular consequence: missense variant. On other transcripts: 3 prime UTR variant (1).
Genome position (GRCh38, 1-based): chr13:77,000,644, A>G. VCF-style: chr13-77000644-A-G. GRCh37 (hg19) VCF-style: chr13-77574779-A-G.
Other names: p.N300S:AAC>AGC; c.899A>G (LRG_692t1); c.*201A>G (NM_001366624.2); short protein forms N251S.
Identifiers: ClinVar variation 205116 (VCV000205116.1), dbSNP rs777477178, ClinGen allele CA313828.

ClinVar aggregate classification (germline): Likely benign (1 of 4 stars; one submission).

gnomAD v4.1: 11 of 1,614,148 alleles (0.00068%); highest among the groups gnomAD compares: Non-Finnish European, 0.00093%; no homozygotes.

Submission:

GeneDx
Classification: Likely benign. Last evaluated: 2013-07-03. Review status: criteria provided, single submitter. Criteria: GeneDx Variant Classification (06012015). Collection method: clinical testing. Allele origin: germline. Affected: yes.
Comment: This variant is considered likely benign or benign based on one or more of the following criteria: it is a conservative change, it occurs at a poorly conserved position in the protein, it is predicted to be benign by multiple in silico algorithms, and/or has population frequency not consistent with disease.